The following is an entry in ClinVar:

ClinVar aggregate classification (germline): Uncertain significance (1 of 4 stars; one submission).

Submission:

Labcorp Genetics (formerly Invitae), Labcorp
Classification: Uncertain significance. Last evaluated: 2024-02-26. Review status: criteria provided, single submitter. Criteria: Invitae Variant Classification Sherloc (09022015). Collection method: clinical testing. Allele origin: germline.
Comment: This sequence change replaces leucine, which is neutral and non-polar, with serine, which is neutral and polar, at codon 900 of the MYH3 protein (p.Leu900Ser). This variant is not present in population databases (gnomAD no frequency). This variant has not been reported in the literature in individuals affected with MYH3-related conditions. Advanced modeling of protein sequence and biophysical properties (such as structural, functional, and spatial information, amino acid conservation, physicochemical variation, residue mobility, and thermodynamic stability) performed at Invitae indicates that this missense variant is not expected to disrupt MYH3 protein function with a negative predictive value of 95%. In summary, the available evidence is currently insufficient to determine the role of this variant in disease. Therefore, it has been classified as a Variant of Uncertain Significance.

NM_002470.4(MYH3):c.2699T>C (p.Leu900Ser)

Gene: MYH3 (myosin heavy chain 3; minus strand). Cytogenetic location: 17p13.1.
Variant type: single nucleotide variant.
Coding change: c.2699T>C on transcript NM_002470.4 (MANE Select); coding-DNA position 2699, T replaced by C.
Protein change: p.Leu900Ser; replaces leucine 900 with serine.
Molecular consequence: missense variant.
Genome position (GRCh38, 1-based): chr17:10,639,786, A>G on the plus strand (T>C on the coding strand, the complement: MYH3 is on the minus strand). VCF-style: chr17-10639786-A-G. GRCh37 (hg19) VCF-style: chr17-10543103-A-G.
Other names: short protein forms L900S.
Identifiers: ClinVar variation 3634451 (VCV003634451.2).
Genomic context (GRCh38, chr17:10,639,786, plus strand): 5'-ATCTTGGCCTCGAGCTGGAATTTGGCTTTGATCAGCTGATCGCATCTTTCCTCAGCATCC[A>G]ACAAATTTTCGCTTTCCTTAAAAAAAAAAGAATAATAACTTCGTTGAATGATATAAGGTT-3'
Protein context (NP_002461.2, residues 890-910): LQVQAESENL[Leu900Ser]DAEERCDQLI